The following is an entry in ClinVar:

NM_001145809.2(MYH14):c.*389C>G

Gene: MYH14 (myosin heavy chain 14; plus strand). Cytogenetic location: 19q13.33.
Variant type: single nucleotide variant.
Coding change: c.*389C>G on transcript NM_001145809.2 (MANE Select); 389 bases downstream of the stop codon, C replaced by G.
Molecular consequence: 3 prime UTR variant.
Genome position (GRCh38, 1-based): chr19:50,310,179, C>G. VCF-style: chr19-50310179-C-G. GRCh37 (hg19) VCF-style: chr19-50813436-C-G.
Other names: c.*389C>G (NM_001077186.2, NM_024729.4).
Identifiers: ClinVar variation 329965 (VCV000329965.5), dbSNP rs149455351, ClinGen allele CA10643153.

ClinVar aggregate classification (germline): Benign (1 of 4 stars; one submission).

Conditions:
Autosomal dominant nonsyndromic hearing loss 4A. Also called: Deafness, autosomal dominant 4A. Identifiers: Orphanet 90635, MedGen C1833503, MONDO:0010915, OMIM 600652.

Allele frequency attached by ClinVar (database versions not stated): gnomAD exomes 0.00010; gnomAD 0.00207 and 0.00227; TOPMed 0.00234; 1000 Genomes Project 0.00319.
gnomAD v4.1: 322 of 275,420 alleles (0.12%); highest among the groups gnomAD compares: African/African-American, 0.72%; 2 homozygotes.

Submission:

Illumina Laboratory Services, Illumina
Classification: Benign for Autosomal dominant nonsyndromic hearing loss 4A. Last evaluated: 2018-01-13. Review status: criteria provided, single submitter. Criteria: ICSL Variant Classification Criteria 13 December 2019. Collection method: clinical testing. Allele origin: germline.
Comment: This variant was observed in the ICSL laboratory as part of a predisposition screen in an ostensibly healthy population. It had not been previously curated by ICSL or reported in the Human Gene Mutation Database (HGMD: prior to June 1st, 2018), and was therefore a candidate for classification through an automated scoring system. Utilizing variant allele frequency, disease prevalence and penetrance estimates, and inheritance mode, an automated score was calculated to assess if this variant is too frequent to cause the disease. Based on the score and internal cut-off values, a variant classified as benign is not then subjected to further curation. The score for this variant resulted in a classification of benign for this disease.